The following is an entry in ClinVar:

NM_007112.5(THBS3):c.126G>C (p.Val42=)

Gene: THBS3 (thrombospondin 3; minus strand). Cytogenetic location: 1q22.
Variant type: single nucleotide variant.
Coding change: c.126G>C on transcript NM_007112.5 (MANE Select); coding-DNA position 126, G replaced by C.
Protein change: p.Val42=; no amino-acid change (valine 42 retained).
Molecular consequence: synonymous variant. On other transcripts: 5 prime UTR variant (4), non-coding transcript variant (3).
Genome position (GRCh38, 1-based): chr1:155,206,360, C>G on the plus strand (G>C on the coding strand, the complement: THBS3 is on the minus strand). VCF-style: chr1-155206360-C-G. GRCh37 (hg19) VCF-style: chr1-155176151-C-G.
Other names: c.126G>C, p.Val42= (NM_001252607.2, NM_001252608.2, NM_001407487.1 and 3 more transcripts); c.297G>C, p.Val99= (NM_001407490.1); c.12G>C, p.Val4= (NM_001407556.1, NM_001407557.1, NM_001407558.1); c.-419G>C (NM_001407559.1); c.-557G>C (NM_001407560.1); c.-537G>C (NM_001407561.1); c.-735G>C (NM_001407562.1).
Identifiers: ClinVar variation 2639396 (VCV002639396.24), dbSNP rs201765748, ClinGen allele CA1140632.
Genomic context (GRCh38, chr1:155,206,360, plus strand): 5'-GAAGGTGGATAAGAGGTAGATGTCCCCAGCAGTGAGCAAGGCTGTCCGGATCTTCTCTGC[C>G]ACAGCTACCATCTGCCGAGACTCGCCCACAGTCAGCAGGTCAATTACTGGTCAGGCAGGG-3'
Protein context (NP_009043.1, residues 32-52): TVGESRQMVA[Val42=]AEKIRTALLT

ClinVar aggregate classification (germline): Likely benign (1 of 4 stars; one submission).

Allele frequency attached by ClinVar (database versions not stated): ExAC 0.00002; gnomAD exomes 0.00002; TOPMed 0.00002; gnomAD 0.00004; 1000 Genomes Project 30x 0.00016; 1000 Genomes Project 0.00020.
gnomAD v4.1: 19 of 1,614,160 alleles (0.0012%); highest among the groups gnomAD compares: East Asian, 0.04%; no homozygotes.

Submission:

CeGaT Center for Human Genetics Tuebingen
Classification: Likely benign. Last evaluated: 2022-08-01. Review status: criteria provided, single submitter. Criteria: CeGaT Center For Human Genetics Tuebingen Variant Classification Criteria Version 2. Collection method: clinical testing. Allele origin: germline. Affected: yes. Observed: 1 variant allele.
Comment: THBS3: BP4, BP7